The following is an entry in ClinVar:

ClinVar aggregate classification (germline): not provided (0 of 4 stars; one submission).

Conditions:
Familial long QT syndrome (RWS). Also called: Congenital long QT syndrome; Romano-Ward syndrome; VENTRICULAR FIBRILLATION WITH PROLONGED QT INTERVAL. Identifiers: Orphanet 768, MedGen C1141890, MONDO:0019171.

Submission:

Cardiovascular Biomedical Research Unit, Royal Brompton & Harefield NHS Foundation Trust
No classification provided. Condition: Familial long QT syndrome. Review status: no classification provided. Collection method: literature only. Allele origin: germline.
Comment: This variant has been reported as associated with Long QT syndrome in the following publications (PMID:9024139). This is a literature report, and does not necessarily reflect the clinical interpretation of the Imperial College / Royal Brompton Cardiovascular Genetics laboratory.

Literature cited by the submitters: PubMed 9024139; PubMed 22581653.

NM_000218.3(KCNQ1):c.939C>G (p.Ile313Met)

Gene: KCNQ1 (potassium voltage-gated channel subfamily Q member 1; plus strand). Cytogenetic location: 11p15.5.
Variant type: single nucleotide variant.
Coding change: c.939C>G on transcript NM_000218.3 (MANE Select); coding-DNA position 939, C replaced by G.
Protein change: p.Ile313Met; replaces isoleucine 313 with methionine.
Molecular consequence: missense variant.
Genome position (GRCh38, 1-based): chr11:2,583,452, C>G. VCF-style: chr11-2583452-C-G. GRCh37 (hg19) VCF-style: chr11-2604682-C-G.
Other names: c.939C>G (LRG_287t1); c.939C>G, p.Ile313Met (NM_001406836.1); c.669C>G, p.Ile223Met (NM_001406837.1); c.495C>G, p.Ile165Met (NM_001406838.1); c.558C>G, p.Ile186Met (NM_181798.2); short protein forms I313M, I186M, I165M, I223M.
Identifiers: ClinVar variation 53135 (VCV000053135.3), dbSNP rs199472747, ClinGen allele CA008767.